The following is an entry in ClinVar:

ClinVar aggregate classification (germline): Pathogenic. Review status: criteria provided, multiple submitters, no conflicts (2 of 4 stars). 4 submissions from 4 submitters: Pathogenic (3). 1 of the submissions does not count toward it. Last evaluated 2025-11-03.

Conditions:
Microcephalic osteodysplastic primordial dwarfism type II (MOPD2). Also called: MOPD II; Microcephalic osteodysplastic primordial dwarfism with tooth abnormalities; OSTEODYSPLASTIC PRIMORDIAL DWARFISM, TYPE II. Identifiers: Orphanet 2637, MedGen C0432246, MONDO:0008872, OMIM 210720.

Submissions (4):

3billion
Classification: Pathogenic for Microcephalic osteodysplastic primordial dwarfism type II. Last evaluated: 2025-11-03. Review status: criteria provided, single submitter. Criteria: ACMG Guidelines, 2015. Collection method: clinical testing. Allele origin: germline. Affected: yes.
Comment: The variant is not observed in the gnomAD v4.1.0 dataset. Predicted Consequence/Location: Stop-gained (nonsense): predicted to result in a loss or disruption of normal protein function through nonsense-mediated decay (NMD) or protein truncation. Multiple pathogenic variants are reported downstream of the variant. The variant has been reported at least twice as pathogenic without evidence for the classification (ClinVar ID: VCV000030543 /PMID: 21567919). Therefore, this variant is classified as Pathogenic according to the recommendation of ACMG/AMP guideline.

Labcorp Genetics (formerly Invitae), Labcorp
Classification: Pathogenic. Last evaluated: 2023-07-29. Review status: criteria provided, single submitter. Criteria: Invitae Variant Classification Sherloc (09022015). Collection method: clinical testing. Allele origin: germline.
Comment: This variant is not present in population databases (gnomAD no frequency). This sequence change creates a premature translational stop signal (p.Glu1154*) in the PCNT gene. It is expected to result in an absent or disrupted protein product. Loss-of-function variants in PCNT are known to be pathogenic (PMID: 18174396, 22821869). This premature translational stop signal has been observed in individual(s) with clinical features of microcephalic osteodysplastic primordial dwarfism (PMID: 21567919, 32267100). For these reasons, this variant has been classified as Pathogenic. ClinVar contains an entry for this variant (Variation ID: 30543).

Revvity Omics, Revvity
Classification: Pathogenic for Microcephalic osteodysplastic primordial dwarfism type II. Last evaluated: 2022-11-28. Review status: criteria provided, single submitter. Criteria: ACMG Guidelines, 2015. Collection method: clinical testing. Allele origin: germline.

OMIM
Classification: Pathogenic for MICROCEPHALIC OSTEODYSPLASTIC PRIMORDIAL DWARFISM, TYPE II. Last evaluated: 2011-06-01. Review status: no assertion criteria provided. Collection method: literature only. Allele origin: germline. Not counted in ClinVar's aggregate classification.

Literature cited by the submitters: PubMed 21567919 (cited by 3 submitters); PubMed 18174396 (cited by Labcorp Genetics (formerly Invitae), Labcorp); PubMed 22821869 (cited by Labcorp Genetics (formerly Invitae), Labcorp); PubMed 32267100 (cited by Labcorp Genetics (formerly Invitae), Labcorp); PubMed 15372530 (cited by OMIM).

NM_006031.6(PCNT):c.3460G>T (p.Glu1154Ter)

Gene: PCNT (pericentrin; plus strand). Cytogenetic location: 21q22.3.
Variant type: single nucleotide variant.
Coding change: c.3460G>T on transcript NM_006031.6 (MANE Select); coding-DNA position 3460, G replaced by T.
Protein change: p.Glu1154Ter; replaces glutamic acid 1154 with a stop codon.
Molecular consequence: nonsense.
Genome position (GRCh38, 1-based): chr21:46,385,979, G>T. VCF-style: chr21-46385979-G-T. GRCh37 (hg19) VCF-style: chr21-47805894-G-T.
Other names: c.3106G>T, p.Glu1036Ter (NM_001315529.2); short protein forms E1154*, E1036*.
Identifiers: ClinVar variation 30543 (VCV000030543.8), dbSNP rs387906928, ClinGen allele CA250711.